The following is an entry in ClinVar:

NM_001166114.2(PNPLA6):c.806A>C (p.His269Pro)

Gene: PNPLA6 (patatin like domain 6, lysophospholipase; plus strand). Cytogenetic location: 19p13.2.
Variant type: single nucleotide variant.
Coding change: c.806A>C on transcript NM_001166114.2 (MANE Select); coding-DNA position 806, A replaced by C.
Protein change: p.His269Pro; replaces histidine 269 with proline.
Molecular consequence: missense variant.
Genome position (GRCh38, 1-based): chr19:7,540,933, A>C. VCF-style: chr19-7540933-A-C. GRCh37 (hg19) VCF-style: chr19-7605819-A-C.
Other names: c.833A>C, p.His278Pro (NM_001166111.2); c.689A>C, p.His230Pro (NM_001166112.2, NM_001166113.1, NM_006702.5); short protein forms H278P, H269P, H230P.
Identifiers: ClinVar variation 2004068 (VCV002004068.4), dbSNP rs2512500676, ClinGen allele CA403105993.

ClinVar aggregate classification (germline): Uncertain significance (1 of 4 stars; one submission).

Conditions:
Hereditary spastic paraplegia 39 (SPG39). Also called: Spastic Paraplegia Type 39 (SPG39); SPASTIC PARAPLEGIA 39, AUTOSOMAL RECESSIVE. Identifiers: Orphanet 139480, MedGen C2677586, MONDO:0012787, OMIM 612020.

Submission:

Labcorp Genetics (formerly Invitae), Labcorp
Classification: Uncertain significance for Hereditary spastic paraplegia 39. Last evaluated: 2022-10-13. Review status: criteria provided, single submitter. Criteria: Invitae Variant Classification Sherloc (09022015). Collection method: clinical testing. Allele origin: germline.
Comment: Algorithms developed to predict the effect of missense changes on protein structure and function (SIFT, PolyPhen-2, Align-GVGD) all suggest that this variant is likely to be tolerated. This sequence change replaces histidine, which is basic and polar, with proline, which is neutral and non-polar, at codon 230 of the PNPLA6 protein (p.His230Pro). This variant is not present in population databases (gnomAD no frequency). This variant has not been reported in the literature in individuals affected with PNPLA6-related conditions. In summary, the available evidence is currently insufficient to determine the role of this variant in disease. Therefore, it has been classified as a Variant of Uncertain Significance.